The following is an entry in ClinVar:

NM_001244008.2(KIF1A):c.611C>A (p.Thr204Asn)

Gene: KIF1A (kinesin family member 1A; minus strand). Cytogenetic location: 2q37.3.
Variant type: single nucleotide variant.
Coding change: c.611C>A on transcript NM_001244008.2 (MANE Select); coding-DNA position 611, C replaced by A.
Protein change: p.Thr204Asn; replaces threonine 204 with asparagine.
Molecular consequence: missense variant.
Genome position (GRCh38, 1-based): chr2:240,785,098, G>T on the plus strand (C>A on the coding strand, the complement: KIF1A is on the minus strand). VCF-style: chr2-240785098-G-T. GRCh37 (hg19) VCF-style: chr2-241724515-G-T.
Other names: c.611C>A, p.Thr204Asn (NM_001379632.1, NM_001379633.1, NM_001379634.1 and 21 more transcripts); short protein forms T204N.
Identifiers: ClinVar variation 1751716 (VCV001751716.2), dbSNP rs2126062797, ClinGen allele CA351305036.

ClinVar aggregate classification (germline): Uncertain significance (1 of 4 stars; one submission).

Conditions:
Inborn genetic diseases. Identifiers: MedGen C0950123, MeSH D030342.

Submission:

Ambry Genetics
Classification: Uncertain significance for Inborn genetic diseases. Last evaluated: 2021-02-04. Review status: criteria provided, single submitter. Criteria: Ambry Variant Classification Scheme 2023. Collection method: clinical testing. Allele origin: germline.
Comment: The p.T204N variant (also known as c.611C>A), located in coding exon 6 of the KIF1A gene, results from a C to A substitution at nucleotide position 611. The threonine at codon 204 is replaced by asparagine, an amino acid with similar properties. This amino acid position is highly conserved in available vertebrate species. In addition, the in silico prediction for this alteration is inconclusive. Since supporting evidence is limited at this time, the clinical significance of this alteration remains unclear.